The following is an entry in ClinVar:

ClinVar aggregate classification (germline): Uncertain significance (1 of 4 stars; one submission).

Conditions:
Hypertrophic cardiomyopathy 14. Identifiers: MedGen C2750467, MONDO:0013197, OMIM 613251.

Allele frequency attached by ClinVar (database versions not stated): gnomAD 0.00001; TOPMed below 0.00001; gnomAD exomes 0.00004.
gnomAD v4.1: 56 of 1,614,026 alleles (0.0035%); highest among the groups gnomAD compares: Non-Finnish European, 0.0047%; no homozygotes.

Submission:

Labcorp Genetics (formerly Invitae), Labcorp
Classification: Uncertain significance for Hypertrophic cardiomyopathy 14. Last evaluated: 2022-10-10. Review status: criteria provided, single submitter. Criteria: Invitae Variant Classification Sherloc (09022015). Collection method: clinical testing. Allele origin: germline.
Comment: In summary, the available evidence is currently insufficient to determine the role of this variant in disease. Therefore, it has been classified as a Variant of Uncertain Significance. Advanced modeling of protein sequence and biophysical properties (such as structural, functional, and spatial information, amino acid conservation, physicochemical variation, residue mobility, and thermodynamic stability) performed at Invitae indicates that this missense variant is expected to disrupt MYH6 protein function. This variant has not been reported in the literature in individuals affected with MYH6-related conditions. This variant is present in population databases (no rsID available, gnomAD 0.0009%). This sequence change replaces glutamic acid, which is acidic and polar, with glycine, which is neutral and non-polar, at codon 1482 of the MYH6 protein (p.Glu1482Gly).

NM_002471.4(MYH6):c.4445A>G (p.Glu1482Gly)

Gene: MYH6 (myosin heavy chain 6; minus strand). Cytogenetic location: 14q11.2.
Variant type: single nucleotide variant.
Coding change: c.4445A>G on transcript NM_002471.4 (MANE Select); coding-DNA position 4445, A replaced by G.
Protein change: p.Glu1482Gly; replaces glutamic acid 1482 with glycine.
Molecular consequence: missense variant.
Genome position (GRCh38, 1-based): chr14:23,387,838, T>C on the plus strand (A>G on the coding strand, the complement: MYH6 is on the minus strand). VCF-style: chr14-23387838-T-C. GRCh37 (hg19) VCF-style: chr14-23857047-T-C.
Other names: short protein forms E1482G.
Identifiers: ClinVar variation 2041539 (VCV002041539.4), dbSNP rs1415845199, ClinGen allele CA388997530.